The following is an entry in ClinVar:

NM_000038.6(APC):c.5210G>T (p.Ser1737Ile)

Gene: APC (APC regulator of Wnt signaling pathway; plus strand). Cytogenetic location: 5q22.2.
Variant type: single nucleotide variant.
Coding change: c.5210G>T on transcript NM_000038.6 (MANE Select); coding-DNA position 5210, G replaced by T.
Protein change: p.Ser1737Ile; replaces serine 1737 with isoleucine.
Molecular consequence: missense variant.
Genome position (GRCh38, 1-based): chr5:112,840,804, G>T. VCF-style: chr5-112840804-G-T. GRCh37 (hg19) VCF-style: chr5-112176501-G-T.
Other names: c.5210G>T, p.Ser1737Ile (NM_001127510.3, NM_001354895.2); c.5156G>T, p.Ser1719Ile (NM_001127511.3); c.5264G>T, p.Ser1755Ile (NM_001354896.2); c.5240G>T, p.Ser1747Ile (NM_001354897.2); c.5135G>T, p.Ser1712Ile (NM_001354898.2); c.5126G>T, p.Ser1709Ile (NM_001354899.2); c.5087G>T, p.Ser1696Ile (NM_001354900.2); c.5033G>T, p.Ser1678Ile (NM_001354901.2); and 5 more; short protein forms S1577I, S1636I, S1696I, S1747I, S1755I, S1709I, S1719I, S1737I.
Identifiers: ClinVar variation 840284 (VCV000840284.13), dbSNP rs1765879843, ClinGen allele CA16032721.
Genomic context (GRCh38, chr5:112,840,804, plus strand): 5'-AAGCAGAGGAAGGTGATATTCTTGCAGAATGCATTAATTCTGCTATGCCCAAAGGGAAAA[G>T]TCACAAGCCTTTCCGTGTGAAAAAGATAATGGACCAGGTCCAGCAAGCATCTGCGTCTTC-3'
Protein context (NP_000029.2, residues 1727-1747): CINSAMPKGK[Ser1737Ile]HKPFRVKKIM

ClinVar aggregate classification (germline): Uncertain significance. Review status: criteria provided, multiple submitters, no conflicts (2 of 4 stars). 3 submissions from 3 submitters: Uncertain significance (3). Last evaluated 2025-07-22.

Conditions:
Hereditary cancer-predisposing syndrome. Also called: Neoplastic Syndromes, Hereditary; Tumor predisposition; Hereditary neoplastic syndrome; Hereditary Cancer Syndrome. Identifiers: Orphanet 140162, MedGen C0027672, MeSH D009386, MONDO:0015356.
Familial adenomatous polyposis 1 (FAP1). Also called: FAMILIAL ADENOMATOUS POLYPOSIS 1, ATTENUATED; POLYPOSIS, ADENOMATOUS INTESTINAL. Identifiers: MedGen C2713442, MONDO:0021056, OMIM 175100. Disease mechanism: loss of function.

Allele frequency attached by ClinVar (database versions not stated): gnomAD exomes below 0.00001.
gnomAD v4.1: 1 of 1,614,128 alleles (0.000062%); highest among the groups gnomAD compares: Non-Finnish European, 0.000085%; no homozygotes.

Submissions (3):

Labcorp Genetics (formerly Invitae), Labcorp
Classification: Uncertain significance for Familial adenomatous polyposis 1. Last evaluated: 2025-07-22. Review status: criteria provided, single submitter. Criteria: Invitae Variant Classification Sherloc (09022015). Collection method: clinical testing. Allele origin: germline.
Comment: This sequence change replaces serine, which is neutral and polar, with isoleucine, which is neutral and non-polar, at codon 1737 of the APC protein (p.Ser1737Ile). This variant is not present in population databases (gnomAD no frequency). This variant has not been reported in the literature in individuals affected with APC-related conditions. ClinVar contains an entry for this variant (Variation ID: 840284). Invitae Evidence Modeling of protein sequence and biophysical properties (such as structural, functional, and spatial information, amino acid conservation, physicochemical variation, residue mobility, and thermodynamic stability) indicates that this missense variant is not expected to disrupt APC protein function with a negative predictive value of 95%. In summary, the available evidence is currently insufficient to determine the role of this variant in disease. Therefore, it has been classified as a Variant of Uncertain Significance.

Ambry Genetics
Classification: Uncertain significance for Hereditary cancer-predisposing syndrome. Last evaluated: 2024-03-23. Review status: criteria provided, single submitter. Criteria: Ambry Variant Classification Scheme 2023. Collection method: clinical testing. Allele origin: germline.
Comment: The p.S1737I variant (also known as c.5210G>T), located in coding exon 15 of the APC gene, results from a G to T substitution at nucleotide position 5210. The serine at codon 1737 is replaced by isoleucine, an amino acid with dissimilar properties. This amino acid position is conserved. In addition, in silico predictors for this gene do not accurately predict pathogenicity. Based on the available evidence, the clinical significance of this alteration remains unclear.

GeneDx
Classification: Uncertain significance. Last evaluated: 2022-06-26. Review status: criteria provided, single submitter. Criteria: GeneDx Variant Classification Process June 2021. Collection method: clinical testing. Allele origin: germline. Affected: yes.
Comment: Not observed at significant frequency in large population cohorts (gnomAD); In silico analysis supports that this missense variant does not alter protein structure/function; Has not been previously published as pathogenic or benign to our knowledge; This variant is associated with the following publications: (PMID: 18199528)